The following is an entry in ClinVar:

ClinVar aggregate classification (germline): Uncertain significance. Review status: criteria provided, multiple submitters, no conflicts (2 of 4 stars). 2 submissions from 2 submitters: Uncertain significance (2). Last evaluated 2022-07-20.

Conditions:
Retinitis pigmentosa (RP). Identifiers: Orphanet 791, MedGen C0035334, MeSH D012174, MONDO:0019200, OMIM 268000. Inheritance: Autosomal dominant, autosomal recessive and X linked inheritance.

Allele frequency attached by ClinVar (database versions not stated): TOPMed 0.00001; gnomAD 0.00002; ExAC 0.00003; gnomAD exomes 0.00003 and 0.00006; ESP Exome Variant Server 0.00008.
gnomAD v4.1: 93 of 1,613,942 alleles (0.0058%); highest among the groups gnomAD compares: Middle Eastern, 0.016%; no homozygotes.

Submissions (2):

Labcorp Genetics (formerly Invitae), Labcorp
Classification: Uncertain significance. Last evaluated: 2022-07-20. Review status: criteria provided, single submitter. Criteria: Invitae Variant Classification Sherloc (09022015). Collection method: clinical testing. Allele origin: germline.
Comment: This sequence change replaces glycine, which is neutral and non-polar, with serine, which is neutral and polar, at codon 59 of the PDE6G protein (p.Gly59Ser). In summary, the available evidence is currently insufficient to determine the role of this variant in disease. Therefore, it has been classified as a Variant of Uncertain Significance. Algorithms developed to predict the effect of missense changes on protein structure and function (SIFT, PolyPhen-2, Align-GVGD) all suggest that this variant is likely to be disruptive. ClinVar contains an entry for this variant (Variation ID: 891783). This variant has not been reported in the literature in individuals affected with PDE6G-related conditions. This variant is present in population databases (rs372592115, gnomAD 0.006%).

Illumina Laboratory Services, Illumina
Classification: Uncertain significance for Retinitis pigmentosa. Last evaluated: 2018-01-13. Review status: criteria provided, single submitter. Criteria: ICSL Variant Classification Criteria 13 December 2019. Collection method: clinical testing. Allele origin: germline.

NM_002602.4(PDE6G):c.175G>A (p.Gly59Ser)

Gene: PDE6G (phosphodiesterase 6G; minus strand). Cytogenetic location: 17q25.3.
Variant type: single nucleotide variant.
Coding change: c.175G>A on transcript NM_002602.4 (MANE Select); coding-DNA position 175, G replaced by A.
Protein change: p.Gly59Ser; replaces glycine 59 with serine.
Molecular consequence: missense variant. On other transcripts: non-coding transcript variant (2).
Genome position (GRCh38, 1-based): chr17:81,651,657, C>T on the plus strand (G>A on the coding strand, the complement: PDE6G is on the minus strand). VCF-style: chr17-81651657-C-T. GRCh37 (hg19) VCF-style: chr17-79618687-C-T.
Other names: c.175G>A, p.Gly59Ser (NM_001365724.1, NM_001365725.1); short protein forms G59S.
Identifiers: ClinVar variation 891783 (VCV000891783.9), dbSNP rs372592115, ClinGen allele CA8839027.